The following is an entry in ClinVar:

ClinVar aggregate classification (germline): Uncertain significance. Review status: criteria provided, multiple submitters, no conflicts (2 of 4 stars). 2 submissions from 2 submitters: Uncertain significance (2). Last evaluated 2025-12-04.

Conditions:
Craniolenticulosutural dysplasia (CLSD). Also called: BOYADJIEV-JABS SYNDROME. Identifiers: Orphanet 50814, MedGen C1843042, MONDO:0011911, OMIM 607812.

Allele frequency attached by ClinVar (database versions not stated): ExAC 0.00001; gnomAD 0.00001; TOPMed 0.00001.

Submissions (2):

Ambry Genetics
Classification: Uncertain significance. Last evaluated: 2025-12-04. Review status: criteria provided, single submitter. Criteria: Ambry Variant Classification Scheme 2023. Collection method: clinical testing. Allele origin: germline.

Labcorp Genetics (formerly Invitae), Labcorp
Classification: Uncertain significance for Craniolenticulosutural dysplasia. Last evaluated: 2024-08-05. Review status: criteria provided, single submitter. Criteria: Invitae Variant Classification Sherloc (09022015). Collection method: clinical testing. Allele origin: germline.
Comment: This sequence change replaces arginine, which is basic and polar, with cysteine, which is neutral and slightly polar, at codon 123 of the SEC23A protein (p.Arg123Cys). This variant is present in population databases (rs753522211, gnomAD 0.006%). This variant has not been reported in the literature in individuals affected with SEC23A-related conditions. ClinVar contains an entry for this variant (Variation ID: 2223798). An algorithm developed to predict the effect of missense changes on protein structure and function (PolyPhen-2) suggests that this variant is likely to be disruptive. In summary, the available evidence is currently insufficient to determine the role of this variant in disease. Therefore, it has been classified as a Variant of Uncertain Significance.

NM_006364.4(SEC23A):c.367C>T (p.Arg123Cys)

Gene: SEC23A (SEC23 homolog A, COPII component; minus strand). Cytogenetic location: 14q21.1.
Variant type: single nucleotide variant.
Coding change: c.367C>T on transcript NM_006364.4 (MANE Select); coding-DNA position 367, C replaced by T.
Protein change: p.Arg123Cys; replaces arginine 123 with cysteine.
Molecular consequence: missense variant.
Genome position (GRCh38, 1-based): chr14:39,091,713, G>A on the plus strand (C>T on the coding strand, the complement: SEC23A is on the minus strand). VCF-style: chr14-39091713-G-A. GRCh37 (hg19) VCF-style: chr14-39560917-G-A.
Other names: short protein forms R123C.
Identifiers: ClinVar variation 2223798 (VCV002223798.5), dbSNP rs753522211, ClinGen allele CA7162147.